The following is an entry in ClinVar:

NC_000002.11:g.(?_48036277)_(48132859_?)dup

Gene: FBXO11 (F-box protein 11; minus strand). Cytogenetic location: 2p16.3.
Variant type: Duplication.
Identifiers: ClinVar variation 2423947 (VCV002423947.4).

ClinVar aggregate classification (germline): Uncertain significance (1 of 4 stars; one submission).

Submission:

Labcorp Genetics (formerly Invitae), Labcorp
Classification: Uncertain significance. Last evaluated: 2022-10-23. Review status: criteria provided, single submitter. Criteria: Invitae Variant Classification Sherloc (09022015). Collection method: clinical testing. Allele origin: germline.
Comment: In summary, the available evidence is currently insufficient to determine the role of this variant in disease. Therefore, it has been classified as a Variant of Uncertain Significance. Experimental studies and prediction algorithms are not available or were not evaluated, and the functional significance of this variant is currently unknown. This variant has not been reported in the literature in individuals affected with FBXO11-related conditions. This variant results in a copy number gain of the genomic region encompassing exon(s) 1-21 of the FBXO11 gene. This region includes the initiator codon of the gene. This copy number gain extends beyond the assayed region for this gene and therefore may encompass additional genes. As the precise location of this event is unknown, it may be in tandem or it may be located elsewhere in the genome.